The following is an entry in ClinVar:

NM_001042492.3(NF1):c.3377A>T (p.Gln1126Leu)

Gene: NF1 (neurofibromin 1; plus strand). Cytogenetic location: 17q11.2.
Variant type: single nucleotide variant.
Coding change: c.3377A>T on transcript NM_001042492.3 (MANE Select); coding-DNA position 3377, A replaced by T.
Protein change: p.Gln1126Leu; replaces glutamine 1126 with leucine.
Molecular consequence: missense variant.
Genome position (GRCh38, 1-based): chr17:31,232,762, A>T. VCF-style: chr17-31232762-A-T. GRCh37 (hg19) VCF-style: chr17-29559780-A-T.
Other names: c.3377A>T, p.Gln1126Leu (NM_000267.4); short protein forms Q1126L.
Identifiers: ClinVar variation 3404799 (VCV003404799.2).
Genomic context (GRCh38, chr17:31,232,762, plus strand): 5'-ACTTCACATTATTTATGAACCTTTTGAATGACTGCAGTGAAGTTGAAGATGAAAGTGCGC[A>T]AACAGGTGGCAGGAAACGTGGCATGTCTCGGAGGCTGGCATCACTGAGGCACTGTACGGT-3'
Protein context (NP_001035957.1, residues 1116-1136): DCSEVEDESA[Gln1126Leu]TGGRKRGMSR

ClinVar aggregate classification (germline): Conflicting classifications of pathogenicity. Review status: criteria provided, conflicting classifications (1 of 4 stars). 2 submissions from 2 submitters: Uncertain significance (1); Likely benign (1). Last evaluated 2025-07-10.

Conditions:
Neurofibromatosis, type 1 (NF1). Also called: NEUROFIBROMATOSIS, TYPE I, SOMATIC; Neurofibromatosis, type I; Peripheral type neurofibromatosis; VON RECKLINGHAUSEN DISEASE. Identifiers: Orphanet 636, MedGen C0027831, MONDO:0018975, OMIM 162200. Disease mechanism: loss of function.
Hereditary cancer-predisposing syndrome. Also called: Hereditary Cancer Syndrome; Hereditary neoplastic syndrome; Neoplastic Syndromes, Hereditary; Tumor predisposition. Identifiers: Orphanet 140162, MedGen C0027672, MeSH D009386, MONDO:0015356.
Cardiovascular phenotype. Identifiers: MedGen CN230736.

Submissions (2):

Labcorp Genetics (formerly Invitae), Labcorp
Classification: Uncertain significance for Neurofibromatosis, type 1. Last evaluated: 2025-07-10. Review status: criteria provided, single submitter. Criteria: Invitae Variant Classification Sherloc (09022015). Collection method: clinical testing. Allele origin: germline.
Comment: This sequence change replaces glutamine, which is neutral and polar, with leucine, which is neutral and non-polar, at codon 1126 of the NF1 protein (p.Gln1126Leu). This variant is not present in population databases (gnomAD no frequency). This variant has not been reported in the literature in individuals affected with NF1-related conditions. ClinVar contains an entry for this variant (Variation ID: 3404799). Invitae Evidence Modeling of protein sequence and biophysical properties (such as structural, functional, and spatial information, amino acid conservation, physicochemical variation, residue mobility, and thermodynamic stability) indicates that this missense variant is not expected to disrupt NF1 protein function with a negative predictive value of 95%. In summary, the available evidence is currently insufficient to determine the role of this variant in disease. Therefore, it has been classified as a Variant of Uncertain Significance.

Ambry Genetics
Classification: Likely benign for Cardiovascular phenotype; Hereditary cancer-predisposing syndrome. Last evaluated: 2024-10-30. Review status: criteria provided, single submitter. Criteria: Ambry Variant Classification Scheme 2023. Collection method: clinical testing. Allele origin: germline.